The following is an entry in ClinVar:

NM_003738.5(PTCH2):c.2336G>C (p.Arg779Pro)

Gene: PTCH2 (patched 2; minus strand). Cytogenetic location: 1p34.1.
Variant type: single nucleotide variant.
Coding change: c.2336G>C on transcript NM_003738.5 (MANE Select); coding-DNA position 2336, G replaced by C.
Protein change: p.Arg779Pro; replaces arginine 779 with proline.
Molecular consequence: missense variant.
Genome position (GRCh38, 1-based): chr1:44,827,437, C>G on the plus strand (G>C on the coding strand, the complement: PTCH2 is on the minus strand). VCF-style: chr1-44827437-C-G. GRCh37 (hg19) VCF-style: chr1-45293109-C-G.
Other names: c.2336G>C, p.Arg779Pro (NM_001166292.2); short protein forms R779P.
Identifiers: ClinVar variation 2699964 (VCV002699964.3), dbSNP rs45493198, ClinGen allele CA21744496.

ClinVar aggregate classification (germline): Uncertain significance (1 of 4 stars; one submission).

Conditions:
Gorlin syndrome. Also called: Nevoid Basal Cell Carcinoma Syndrome; Basal cell nevus syndrome. Identifiers: Orphanet 377, MedGen C0004779, MONDO:0007187.

gnomAD v4.1: 3 of 1,613,132 alleles (0.00019%); highest among the groups gnomAD compares: Non-Finnish European, 0.00025%; no homozygotes.

Submission:

Labcorp Genetics (formerly Invitae), Labcorp
Classification: Uncertain significance for Gorlin syndrome. Last evaluated: 2023-10-29. Review status: criteria provided, single submitter. Criteria: Invitae Variant Classification Sherloc (09022015). Collection method: clinical testing. Allele origin: germline.
Comment: This sequence change replaces arginine, which is basic and polar, with proline, which is neutral and non-polar, at codon 779 of the PTCH2 protein (p.Arg779Pro). This variant is not present in population databases (gnomAD no frequency). This variant has not been reported in the literature in individuals affected with PTCH2-related conditions. Advanced modeling of protein sequence and biophysical properties (such as structural, functional, and spatial information, amino acid conservation, physicochemical variation, residue mobility, and thermodynamic stability) performed at Invitae indicates that this missense variant is not expected to disrupt PTCH2 protein function with a negative predictive value of 80%. In summary, the available evidence is currently insufficient to determine the role of this variant in disease. Therefore, it has been classified as a Variant of Uncertain Significance.